The following is an entry in ClinVar:

ClinVar aggregate classification (germline): Pathogenic (1 of 4 stars; one submission).

Conditions:
Medium-chain acyl-coenzyme A dehydrogenase deficiency (ACADMD). Also called: MCADH DEFICIENCY; CARNITINE DEFICIENCY SECONDARY TO MEDIUM-CHAIN ACYL-CoA DEHYDROGENASE DEFICIENCY; ACADM DEFICIENCY; MCADD; Medium chain acyl-CoA dehydrogenase deficiency; MCAD Deficiency. Identifiers: Orphanet 42, MedGen C0220710, MONDO:0008721, OMIM 201450.

Submission:

Women's Health and Genetics/Laboratory Corporation of America, LabCorp
Classification: Pathogenic for Medium-chain acyl-coenzyme A dehydrogenase deficiency. Last evaluated: 2022-04-14. Review status: criteria provided, single submitter. Criteria: LabCorp Variant Classification Summary - May 2015. Collection method: clinical testing. Allele origin: germline.
Comment: Variant summary: The variant identified by MLPA or other technology involves the deletion of exons 11-12 in the ACADM gene. A presumed nomenclature of c.(945+1_946-1)_(*917_?)del has been designated for the purposes of this classification. The variant was absent in 21694 control chromosomes (gnomAD, Structural Variants dataset). Deletion of exons 11-12 has been reported in the literature in individuals/families affected with Medium Chain Acyl-CoA Dehydrogenase Deficiency (Morris_1995, Rucklova_2021). These data indicate that the variant is likely to be associated with disease. To our knowledge, no experimental evidence demonstrating an impact on protein function has been reported. A ClinVar submitter (evaluation after 2014) cites the variant as pathogenic. Based on the evidence outlined above, the variant was classified as pathogenic.

Literature cited by the submitters: PubMed 7633427; PubMed 34578803.

NC_000001.10:g.(76216232_76226806)_(76229365_?)del

Gene: ACADM (acyl-CoA dehydrogenase medium chain; plus strand). Cytogenetic location: 1p31.1.
Variant type: Deletion.
Identifiers: ClinVar variation 1683220 (VCV001683220.1).